The following is an entry in ClinVar:

ClinVar aggregate classification (germline): Uncertain significance (1 of 4 stars; one submission).

Conditions:
Spermatogenic failure 65 (SPGF65). Identifiers: MedGen C5562067, MONDO:0030531, OMIM 619712.

gnomAD v4.1: 1 of 1,551,340 alleles (0.000064%); no homozygotes.

Submission:

Juno Genomics, Hangzhou Juno Genomics, Inc
Classification: Uncertain significance for Spermatogenic failure 65. Review status: criteria provided, single submitter. Criteria: ACMG Guidelines, 2015. Collection method: clinical testing. Allele origin: germline.
Comment: Absent from controls (or at extremely low frequency if recessive) in Genome Aggregation Database.;Multiple lines of computational evidence support a deleterious effect on the gene or gene product.

NM_144666.3(DNHD1):c.9852+5G>A

Gene: DNHD1 (dynein heavy chain domain 1; plus strand). Cytogenetic location: 11p15.4.
Variant type: single nucleotide variant.
Coding change: c.9852+5G>A on transcript NM_144666.3 (MANE Select); 5 bases into the intron after coding-DNA position 9852, G replaced by A.
Molecular consequence: intron variant.
Genome position (GRCh38, 1-based): chr11:6,563,569, G>A. VCF-style: chr11-6563569-G-A. GRCh37 (hg19) VCF-style: chr11-6584799-G-A.
Identifiers: ClinVar variation 5007903 (VCV005007903.2).
Genomic context (GRCh38, chr11:6,563,569, plus strand): 5'-ATGAAACAGGCTGGGCCAGTGCCAAACAGCTGTTATGCACTGAGGATTTTTATCAGGTAG[G>A]AAGGGTGGAGCACAATGAAGGAGGATAGGGGAGGCATAAAGGGACACTTGGCAAGGCTAA-3'